The following is an entry in ClinVar:

NM_000451.4(SHOX):c.*18C>T

Gene: SHOX (SHOX homeobox; plus strand). Cytogenetic location: Xp22.33.
Variant type: single nucleotide variant.
Coding change: c.*18C>T on transcript NM_000451.4 (MANE Select); 18 bases downstream of the stop codon, C replaced by T.
Molecular consequence: 3 prime UTR variant. On other transcripts: intron variant (1).
Genome position (GRCh38, 1-based): chrX:644,654, C>T. VCF-style: chrX-644654-C-T. GRCh37 (hg19) VCF-style: chrX-605389-C-T.
Other names: c.633+3567C>T (NM_006883.2).
Identifiers: ClinVar variation 3895624 (VCV003895624.2).
Genomic context (GRCh38, chrX:644,654, plus strand): 5'-GCGGCTCAAGGCGCGGAAGCACGCGGAGGCCCTGGGGCTCTGACCCGCCGCGCAGCCCCC[C>T]GCGCGCCCGGACTCCCGGGCTCCGCGCACCCCGCCTGCACCGCGCGTCCTGCACTCAACC-3'

ClinVar aggregate classification (germline): Uncertain significance (1 of 4 stars; one submission).

gnomAD v4.1: 11 of 1,441,362 alleles (0.00076%); highest among the groups gnomAD compares: South Asian, 0.0014%; no homozygotes.

Submission:

Women's Health and Genetics/Laboratory Corporation of America, LabCorp
Classification: Uncertain significance. Last evaluated: 2026-05-05. Review status: criteria provided, single submitter. Criteria: LabCorp Variant Classification Summary - May 2015. Collection method: clinical testing. Allele origin: germline.
Comment: Variant summary: SHOX c.*18C>T is located in the untranslated mRNA region downstream of the termination codon. The variant was absent in 49058 control chromosomes. The available data on variant occurrences in the general population are insufficient to allow any conclusion about variant significance. To our knowledge, no occurrence of c.*18C>T in individuals affected with SHOX-related conditions and no experimental evidence demonstrating its impact on protein function have been reported. ClinVar contains an entry for this variant (Variation ID: 3895624). Based on the evidence outlined above, the variant was classified as uncertain significance.